The following is an entry in ClinVar:

ClinVar aggregate classification (germline): Pathogenic. Review status: criteria provided, multiple submitters, no conflicts (2 of 4 stars). 6 submissions from 6 submitters: Pathogenic (6). Last evaluated 2025-08-04.

Conditions:
Hereditary cancer-predisposing syndrome. Also called: Neoplastic Syndromes, Hereditary; Tumor predisposition; Hereditary Cancer Syndrome; Hereditary neoplastic syndrome. Identifiers: Orphanet 140162, MedGen C0027672, MeSH D009386, MONDO:0015356.
Basal cell carcinoma, susceptibility to, 1. Also called: BCC1. Identifiers: MedGen C2751544, MONDO:0011556, OMIM 605462.
Gorlin syndrome. Also called: Nevoid Basal Cell Carcinoma Syndrome; Basal cell nevus syndrome. Identifiers: Orphanet 377, MedGen C0004779, MONDO:0007187.
Holoprosencephaly 7 (HPE7). Identifiers: Orphanet 2162, MedGen C1835820, MONDO:0012562, OMIM 610828.
PTCH1-related disorder. Also called: PTCH1-related disorders; PTCH1-related condition.

Submissions (6):

PreventionGenetics, part of Exact Sciences
Classification: Pathogenic for PTCH1-related condition. Last evaluated: 2025-08-04. Review status: criteria provided, single submitter. Criteria: ACMG Guidelines, 2015. Collection method: clinical testing. Allele origin: germline.
Comment: The PTCH1 c.2308C>T variant is predicted to result in premature protein termination (p.Arg770*). This variant has been reported in individuals with clinical features consistent with basal cell nevus syndrome (Reinders et al. 2018. PubMed ID: 29575684; Nakamura et al. 2022. PubMed ID: 35437209). This variant has not been reported in a large population database, indicating this variant is rare. This variant is interpreted as pathogenic in ClinVar (Variation ID: 409162). Nonsense variants in PTCH1 are expected to be pathogenic. This variant is interpreted as pathogenic.

Labcorp Genetics (formerly Invitae), Labcorp
Classification: Pathogenic for Gorlin syndrome. Last evaluated: 2024-12-31. Review status: criteria provided, single submitter. Criteria: Invitae Variant Classification Sherloc (09022015). Collection method: clinical testing. Allele origin: germline.
Comment: This sequence change creates a premature translational stop signal (p.Arg770*) in the PTCH1 gene. It is expected to result in an absent or disrupted protein product. Loss-of-function variants in PTCH1 are known to be pathogenic (PMID: 16301862, 16419085). This variant is not present in population databases (gnomAD no frequency). This premature translational stop signal has been observed in individual(s) with basal cell nevus syndrome (PMID: 29575684). ClinVar contains an entry for this variant (Variation ID: 409162). For these reasons, this variant has been classified as Pathogenic.

Molecular Genetics and NGS Laboratory, Hospital Fundacion Valle Del Lili
Classification: Pathogenic for Basal cell carcinoma, susceptibility to, 1; Basal cell nevus syndrome 1; Holoprosencephaly 7. Last evaluated: 2023-10-22. Review status: criteria provided, single submitter. Criteria: ACMG Guidelines, 2015. Collection method: clinical testing. Allele origin: germline. Affected: yes. Observed: 1 variant allele.

Blueprint Genetics
Classification: Pathogenic for PTCH1-related disorders. Last evaluated: 2021-08-31. Review status: criteria provided, single submitter. Criteria: ACMG Guidelines, 2015. Collection method: clinical testing. Allele origin: germline. Affected: yes. Observed: 1 variant allele.

Institute of Medical Genetics and Applied Genomics, University Hospital Tübingen
Classification: Pathogenic. Last evaluated: 2021-06-17. Review status: criteria provided, single submitter. Criteria: ACMG Guidelines, 2015. Collection method: clinical testing. Allele origin: germline. Inheritance: Autosomal dominant inheritance. Affected: yes.

Ambry Genetics
Classification: Pathogenic for Hereditary cancer-predisposing syndrome. Last evaluated: 2019-06-14. Review status: criteria provided, single submitter. Criteria: Ambry Variant Classification Scheme 2023. Collection method: clinical testing. Allele origin: germline.
Comment: The p.R770* pathogenic mutation (also known as c.2308C>T), located in coding exon 15 of the PTCH1 gene, results from a C to T substitution at nucleotide position 2308. This changes the amino acid from an arginine to a stop codon within coding exon 15. This alteration has been reported in a cohort of patients referred for testing for nevoid basal cell carcinoma syndrome (NBCCS) (Reinders MG et al. Mol Genet Genomic Med. 2018 05;6:409-415). This alteration is expected to result in loss of function by premature protein truncation or nonsense-mediated mRNA decay. As such, this alteration is interpreted as a disease-causing mutation.

Literature cited by the submitters: PubMed 16301862 (cited by Labcorp Genetics (formerly Invitae), Labcorp); PubMed 16419085 (cited by Labcorp Genetics (formerly Invitae), Labcorp); PubMed 29575684 (cited by Labcorp Genetics (formerly Invitae), Labcorp and Ambry Genetics).

NM_000264.5(PTCH1):c.2308C>T (p.Arg770Ter)

Genes: PTCH1 (patched 1; minus strand), LOC100507346 (uncharacterized LOC100507346; plus strand). Cytogenetic location: 9q22.32.
Variant type: single nucleotide variant.
Coding change: c.2308C>T on transcript NM_000264.5 (MANE Select); coding-DNA position 2308, C replaced by T.
Protein change: p.Arg770Ter; replaces arginine 770 with a stop codon.
Molecular consequence: nonsense. On other transcripts: non-coding transcript variant (1).
Genome position (GRCh38, 1-based): chr9:95,467,368, G>A on the plus strand (C>T on the coding strand, the complement: PTCH1 is on the minus strand). VCF-style: chr9-95467368-G-A. GRCh37 (hg19) VCF-style: chr9-98229650-G-A.
Other names: p.Arg770Ter; c.2110C>T, p.Arg704Ter (NM_001083602.3); c.2305C>T, p.Arg769Ter (NM_001083603.3); c.1855C>T, p.Arg619Ter (NM_001083604.3, NM_001083605.3, NM_001083606.3 and 1 more transcripts); c.2152C>T, p.Arg718Ter (NM_001354918.2); short protein forms R704*, R770*, R619*, R769*, R718*.
Identifiers: ClinVar variation 409162 (VCV000409162.20), dbSNP rs766313615, ClinGen allele CA16612765.
Genomic context (GRCh38, chr9:95,467,368, plus strand): 5'-AGTCATATTCTCTGGTTTCCCGAGGTACAATGTCCGTAAGGTCCAGCCCGTCTCTCACTC[G>A]GGTGGTGCCATAAAGGCTGACCCCCAGCAAGCCCAGAAAAAGGAAGATCACCACTACCTG-3'